The following is an entry in ClinVar:

NM_002519.3(NPAT):c.433G>C (p.Gly145Arg)

Gene: NPAT (nuclear protein, coactivator of histone transcription; minus strand). Cytogenetic location: 11q22.3.
Variant type: single nucleotide variant.
Coding change: c.433G>C on transcript NM_002519.3 (MANE Select); coding-DNA position 433, G replaced by C.
Protein change: p.Gly145Arg; replaces glycine 145 with arginine.
Molecular consequence: missense variant.
Genome position (GRCh38, 1-based): chr11:108,189,229, C>G on the plus strand (G>C on the coding strand, the complement: NPAT is on the minus strand). VCF-style: chr11-108189229-C-G. GRCh37 (hg19) VCF-style: chr11-108059956-C-G.
Other names: c.433G>C, p.Gly145Arg (NM_001321307.1); short protein forms G145R.
Identifiers: ClinVar variation 2587691 (VCV002587691.2), dbSNP rs749413677, ClinGen allele CA6264295.

ClinVar aggregate classification (germline): Uncertain significance (1 of 4 stars; one submission).

Allele frequency attached by ClinVar (database versions not stated): ExAC 0.00001; gnomAD exomes 0.00001.
gnomAD v4.1: 8 of 1,614,138 alleles (0.0005%); highest among the groups gnomAD compares: South Asian, 0.0088%; no homozygotes.

Submission:

Ambry Genetics
Classification: Uncertain significance. Last evaluated: 2023-09-14. Review status: criteria provided, single submitter. Criteria: Ambry Variant Classification Scheme 2023. Collection method: clinical testing. Allele origin: germline.
Comment: The p.G145R variant (also known as c.433G>C), located in coding exon 6 of the NPAT gene, results from a G to C substitution at nucleotide position 433. The glycine at codon 145 is replaced by arginine, an amino acid with dissimilar properties. This amino acid position is conserved. In addition, this alteration is predicted to be tolerated by in silico analysis. Since supporting evidence is limited at this time, the clinical significance of this alteration remains unclear.